The following is an entry in ClinVar:

NM_024818.6(UBA5):c.215G>A (p.Arg72His)

Genes: NPHP3-ACAD11 (NPHP3-ACAD11 readthrough (NMD candidate); minus strand), UBA5 (ubiquitin like modifier activating enzyme 5; plus strand). Cytogenetic location: 3q22.1.
Variant type: single nucleotide variant.
Coding change: c.215G>A on transcript NM_024818.6 (MANE Select); coding-DNA position 215, G replaced by A.
Protein change: p.Arg72His; replaces arginine 72 with histidine.
Molecular consequence: missense variant. On other transcripts: intron variant (2).
Genome position (GRCh38, 1-based): chr3:132,665,991, G>A. VCF-style: chr3-132665991-G-A. GRCh37 (hg19) VCF-style: chr3-132384835-G-A.
Other names: c.47G>A, p.Arg16His (NM_001320210.2, NM_198329.4); c.-39-2827G>A (NM_001321239.1); c.28-2827G>A (NM_001321238.2); short protein forms R16H, R72H.
Identifiers: ClinVar variation 809545 (VCV000809545.50), dbSNP rs150313260, ClinGen allele CA2621305.

ClinVar aggregate classification (germline): Conflicting classifications of pathogenicity. Review status: criteria provided, conflicting classifications (1 of 4 stars). 4 submissions from 4 submitters: Likely pathogenic (1); Uncertain significance (3). Last evaluated 2023-11-02.

Conditions:
Developmental and epileptic encephalopathy, 44 (DEE44). Also called: Epileptic encephalopathy, early infantile, 44. Identifiers: MedGen C4310700, MONDO:0014933, OMIM 617132.

Allele frequency attached by ClinVar (database versions not stated): ExAC 0.00002; gnomAD 0.00003 and 0.00004; TOPMed 0.00004; ESP Exome Variant Server 0.00008.
gnomAD v4.1: 28 of 1,613,312 alleles (0.0017%); highest among the groups gnomAD compares: East Asian, 0.0089%; no homozygotes.

Submissions (4):

GeneDx
Classification: Uncertain significance. Last evaluated: 2023-11-02. Review status: criteria provided, single submitter. Criteria: GeneDx Variant Classification Process June 2021. Collection method: clinical testing. Allele origin: germline. Affected: yes.
Comment: In silico analysis supports that this missense variant has a deleterious effect on protein structure/function; This variant is associated with the following publications: (PMID: 27397505, 28404951, 32579932, 32371413)

Labcorp Genetics (formerly Invitae), Labcorp
Classification: Uncertain significance. Last evaluated: 2022-08-23. Review status: criteria provided, single submitter. Criteria: Invitae Variant Classification Sherloc (09022015). Collection method: clinical testing. Allele origin: germline.
Comment: This sequence change replaces arginine, which is basic and polar, with histidine, which is basic and polar, at codon 72 of the UBA5 protein (p.Arg72His). This variant is present in population databases (rs150313260, gnomAD 0.01%). This missense change has been observed in individual(s) with clinical features of developmental and epileptic encephalopathy (PMID: 32371413). ClinVar contains an entry for this variant (Variation ID: 809545). Algorithms developed to predict the effect of missense changes on protein structure and function are either unavailable or do not agree on the potential impact of this missense change (SIFT: "Not Available"; PolyPhen-2: "Possibly Damaging"; Align-GVGD: "Not Available"). In summary, the available evidence is currently insufficient to determine the role of this variant in disease. Therefore, it has been classified as a Variant of Uncertain Significance.

CeGaT Center for Human Genetics Tuebingen
Classification: Uncertain significance. Last evaluated: 2019-05-01. Review status: criteria provided, single submitter. Criteria: CeGaT Center For Human Genetics Tuebingen Variant Classification Criteria Version 2. Collection method: clinical testing. Allele origin: germline. Affected: yes. Observed: 1 variant allele.

Institute for Genomic Medicine (IGM) Clinical Laboratory, Nationwide Children's Hospital
Classification: Likely pathogenic for Developmental and epileptic encephalopathy, 44. Last evaluated: 2017-05-29. Review status: criteria provided, single submitter. Criteria: ACMG Guidelines, 2015. Collection method: clinical testing. Allele origin: germline. Affected: yes.
Comment: [ACMG/AMP: PM1, PM2, PM3, PP2] This alteration is located in a mutational hotspot and/or critical and well-established functional domain [PM1], is absent from or rarely observed in large-scale population databases [PM2], is detected in trans with a known pathogenic variant [PM3], is a missense variant in a gene in which missense variants are a common mechanism of disease [PP2].

Literature cited by the submitters: PubMed 32371413 (cited by Labcorp Genetics (formerly Invitae), Labcorp).